The following is an entry in ClinVar:

ClinVar aggregate classification (germline): Uncertain significance (0 of 4 stars; one submission).

Conditions:
LTBP3-related disorder. Also called: LTBP3-related condition.

Submission:

PreventionGenetics, part of Exact Sciences
Classification: Uncertain significance for LTBP3-related condition. Last evaluated: 2024-08-30. Review status: no assertion criteria provided. Collection method: clinical testing. Allele origin: germline.
Comment: The LTBP3 c.2977G>A variant is predicted to result in the amino acid substitution p.Asp993Asn. To our knowledge, this variant has not been reported in the literature or in a large population database, indicating this variant is rare. At this time, the clinical significance of this variant is uncertain due to the absence of conclusive functional and genetic evidence.

NM_001130144.3(LTBP3):c.2977G>A (p.Asp993Asn)

Genes: LTBP3 (latent transforming growth factor beta binding protein 3; minus strand), LOC121832793 (Sharpr-MPRA regulatory region 4001; plus strand). Cytogenetic location: 11q13.1.
Variant type: single nucleotide variant.
Coding change: c.2977G>A on transcript NM_001130144.3 (MANE Select); coding-DNA position 2977, G replaced by A.
Protein change: p.Asp993Asn; replaces aspartic acid 993 with asparagine.
Molecular consequence: missense variant.
Genome position (GRCh38, 1-based): chr11:65,540,871, C>T on the plus strand (G>A on the coding strand, the complement: LTBP3 is on the minus strand). VCF-style: chr11-65540871-C-T. GRCh37 (hg19) VCF-style: chr11-65308342-C-T.
Other names: c.2626G>A, p.Asp876Asn (NM_001164266.1); c.2977G>A, p.Asp993Asn (NM_021070.4); short protein forms D876N, D993N.
Identifiers: ClinVar variation 3347918 (VCV003347918.1).
Genomic context (GRCh38, chr11:65,540,871, plus strand): 5'-CCGGGCGAGCCCAACCCGGGGTGAGAGGGCGCGGGGCGGGCGGAGCCGCAGGGCGCTTAC[C>T]ACGGTGGGCTGGGATGCCGTAGTTGACGATGTTGTTGTCCTGGGTGTAGCCCTTTCCGTC-3'
Protein context (NP_001123616.1, residues 983-1003): IVNYGIPAHR[Asp993Asn]IDECMLFGSE